The following is an entry in ClinVar:

ClinVar aggregate classification (germline): Uncertain significance (1 of 4 stars; one submission).

Conditions:
Inborn genetic diseases. Identifiers: MedGen C0950123, MeSH D030342.

Submission:

Ambry Genetics
Classification: Uncertain significance for Inborn genetic diseases. Last evaluated: 2020-12-18. Review status: criteria provided, single submitter. Criteria: Ambry Variant Classification Scheme 2023. Collection method: clinical testing. Allele origin: germline.
Comment: The p.D3232G variant (also known as c.9695A>G), located in coding exon 55 of the DST gene, results from an A to G substitution at nucleotide position 9695. The aspartic acid at codon 3232 is replaced by glycine, an amino acid with similar properties. This amino acid position is well conserved in available vertebrate species. In addition, this alteration is predicted to be tolerated by in silico analysis. Since supporting evidence is limited at this time, the clinical significance of this alteration remains unclear.

NM_001374736.1(DST):c.16052A>G (p.Asp5351Gly)

Gene: DST (dystonin; minus strand). Cytogenetic location: 6p12.1.
Variant type: single nucleotide variant.
Coding change: c.16052A>G on transcript NM_001374736.1 (MANE Select); coding-DNA position 16052, A replaced by G.
Protein change: p.Asp5351Gly; replaces aspartic acid 5351 with glycine.
Molecular consequence: missense variant.
Genome position (GRCh38, 1-based): chr6:56,552,740, T>C on the plus strand (A>G on the coding strand, the complement: DST is on the minus strand). VCF-style: chr6-56552740-T-C. GRCh37 (hg19) VCF-style: chr6-56417538-T-C.
Other names: c.9695A>G, p.Asp3232Gly (NM_001144769.5); c.9281A>G, p.Asp3094Gly (NM_001144770.2); c.16052A>G, p.Asp5351Gly (NM_001374722.1); c.15419A>G, p.Asp5140Gly (NM_001374729.1); c.9161A>G, p.Asp3054Gly (NM_001374730.1, NM_001386100.1, NM_183380.4); c.16079A>G, p.Asp5360Gly (NM_001374734.1); c.8183A>G, p.Asp2728Gly (NM_015548.5); short protein forms D3094G, D3054G, D2728G, D3232G, D5140G, D5351G, D5360G.
Identifiers: ClinVar variation 1767810 (VCV001767810.2), dbSNP rs1287393894, ClinGen allele CA364514478.